The following is an entry in ClinVar:

ClinVar aggregate classification (germline): Uncertain significance. Review status: criteria provided, multiple submitters, no conflicts (2 of 4 stars). 2 submissions from 2 submitters: Uncertain significance (2). Last evaluated 2024-12-10.

Conditions:
Inborn genetic diseases. Identifiers: MedGen C0950123, MeSH D030342.
Hereditary spastic paraplegia 39 (SPG39). Also called: SPASTIC PARAPLEGIA 39, AUTOSOMAL RECESSIVE; Spastic Paraplegia Type 39 (SPG39). Identifiers: Orphanet 139480, MedGen C2677586, MONDO:0012787, OMIM 612020.

Submissions (2):

Ambry Genetics
Classification: Uncertain significance for Inborn genetic diseases. Last evaluated: 2024-12-10. Review status: criteria provided, single submitter. Criteria: Ambry Variant Classification Scheme 2023. Collection method: clinical testing. Allele origin: germline.

Labcorp Genetics (formerly Invitae), Labcorp
Classification: Uncertain significance for Hereditary spastic paraplegia 39. Last evaluated: 2020-07-02. Review status: criteria provided, single submitter. Criteria: Invitae Variant Classification Sherloc (09022015). Collection method: clinical testing. Allele origin: germline.
Comment: Algorithms developed to predict the effect of missense changes on protein structure and function are either unavailable or do not agree on the potential impact of this missense change (SIFT: "Tolerated"; PolyPhen-2: "Possibly Damaging"; Align-GVGD: "Class C0"). In summary, the available evidence is currently insufficient to determine the role of this variant in disease. Therefore, it has been classified as a Variant of Uncertain Significance. This variant has not been reported in the literature in individuals with PNPLA6-related conditions. This variant is not present in population databases (ExAC no frequency). This sequence change replaces proline with arginine at codon 384 of the PNPLA6 protein (p.Pro384Arg). The proline residue is highly conserved and there is a moderate physicochemical difference between proline and arginine.

NM_001166114.2(PNPLA6):c.1268C>G (p.Pro423Arg)

Gene: PNPLA6 (patatin like domain 6, lysophospholipase; plus strand). Cytogenetic location: 19p13.2.
Variant type: single nucleotide variant.
Coding change: c.1268C>G on transcript NM_001166114.2 (MANE Select); coding-DNA position 1268, C replaced by G.
Protein change: p.Pro423Arg; replaces proline 423 with arginine.
Molecular consequence: missense variant.
Genome position (GRCh38, 1-based): chr19:7,542,576, C>G. VCF-style: chr19-7542576-C-G. GRCh37 (hg19) VCF-style: chr19-7607462-C-G.
Other names: c.1295C>G, p.Pro432Arg (NM_001166111.2); c.1151C>G, p.Pro384Arg (NM_001166112.2, NM_001166113.1, NM_006702.5); c.1151C>G (NM_006702.4); short protein forms P384R, P423R, P432R.
Identifiers: ClinVar variation 1013748 (VCV001013748.9), dbSNP rs1245401993, ClinGen allele CA403111516.